The following is an entry in ClinVar:

NM_002439.5(MSH3):c.2724A>C (p.Gln908His)

Gene: MSH3 (mutS homolog 3; plus strand). Cytogenetic location: 5q14.1.
Variant type: single nucleotide variant.
Coding change: c.2724A>C on transcript NM_002439.5 (MANE Select); coding-DNA position 2724, A replaced by C.
Protein change: p.Gln908His; replaces glutamine 908 with histidine.
Molecular consequence: missense variant.
Genome position (GRCh38, 1-based): chr5:80,813,652, A>C. VCF-style: chr5-80813652-A-C. GRCh37 (hg19) VCF-style: chr5-80109471-A-C.
Other names: short protein forms Q908H.
Identifiers: ClinVar variation 2565689 (VCV002565689.2), dbSNP rs999762677, ClinGen allele CA360273948.

ClinVar aggregate classification (germline): Uncertain significance (1 of 4 stars; one submission).

Conditions:
Hereditary cancer-predisposing syndrome. Also called: Neoplastic Syndromes, Hereditary; Hereditary Cancer Syndrome; Hereditary neoplastic syndrome; Tumor predisposition. Identifiers: Orphanet 140162, MedGen C0027672, MeSH D009386, MONDO:0015356.

Submission:

Ambry Genetics
Classification: Uncertain significance for Hereditary cancer-predisposing syndrome. Last evaluated: 2023-06-14. Review status: criteria provided, single submitter. Criteria: Ambry Variant Classification Scheme 2023. Collection method: clinical testing. Allele origin: germline.
Comment: The p.Q908H variant (also known as c.2724A>C), located in coding exon 20 of the MSH3 gene, results from an A to C substitution at nucleotide position 2724. The glutamine at codon 908 is replaced by histidine, an amino acid with highly similar properties. This amino acid position is conserved. In addition, this alteration is predicted to be deleterious by in silico analysis. Since supporting evidence is limited at this time, the clinical significance of this alteration remains unclear.